The following is an entry in ClinVar:

NM_015001.3(SPEN):c.3687G>C (p.Arg1229Ser)

Gene: SPEN (spen family transcriptional repressor; plus strand). Cytogenetic location: 1p36.13.
Variant type: single nucleotide variant.
Coding change: c.3687G>C on transcript NM_015001.3 (MANE Select); coding-DNA position 3687, G replaced by C.
Protein change: p.Arg1229Ser; replaces arginine 1229 with serine.
Molecular consequence: missense variant.
Genome position (GRCh38, 1-based): chr1:15,929,927, G>C. VCF-style: chr1-15929927-G-C. GRCh37 (hg19) VCF-style: chr1-16256422-G-C.
Other names: short protein forms R1229S.
Identifiers: ClinVar variation 4536978 (VCV004536978.1).

ClinVar aggregate classification (germline): Uncertain significance (1 of 4 stars; one submission).

Submission:

Women's Health and Genetics/Laboratory Corporation of America, LabCorp
Classification: Uncertain significance. Last evaluated: 2025-11-07. Review status: criteria provided, single submitter. Criteria: LabCorp Variant Classification Summary - May 2015. Collection method: clinical testing. Allele origin: germline.
Comment: Variant summary: SPEN c.3687G>C (p.Arg1229Ser) results in a non-conservative amino acid change in the encoded protein sequence. Algorithms developed to predict the effect of missense changes on protein structure and function are either unavailable or do not agree on the potential impact of this missense change. The variant was absent in 250564 control chromosomes. The available data on variant occurrences in the general population are insufficient to allow any conclusion about variant significance. To our knowledge, no occurrence of c.3687G>C in individuals affected with SPEN-related conditions and no experimental evidence demonstrating its impact on protein function have been reported. No submitters have cited clinical-significance assessments for this variant to ClinVar. Based on the evidence outlined above, the variant was classified as uncertain significance.